The following is an entry in ClinVar:

NM_006015.6(ARID1A):c.6027C>T (p.Leu2009=)

Gene: ARID1A (AT-rich interaction domain 1A; plus strand). Cytogenetic location: 1p36.11.
Variant type: single nucleotide variant.
Coding change: c.6027C>T on transcript NM_006015.6 (MANE Select); coding-DNA position 6027, C replaced by T.
Protein change: p.Leu2009=; no amino-acid change (leucine 2009 retained).
Molecular consequence: synonymous variant.
Genome position (GRCh38, 1-based): chr1:26,779,925, C>T. VCF-style: chr1-26779925-C-T. GRCh37 (hg19) VCF-style: chr1-27106416-C-T.
Other names: c.5376C>T, p.Leu1792= (NM_139135.4).
Identifiers: ClinVar variation 1315557 (VCV001315557.11), dbSNP rs771725023, ClinGen allele CA707789.

ClinVar aggregate classification (germline): Likely benign. Review status: criteria provided, multiple submitters, no conflicts (2 of 4 stars). 3 submissions from 3 submitters: Likely benign (3). Last evaluated 2026-06-01.

Allele frequency attached by ClinVar (database versions not stated): ExAC 0.00001; gnomAD exomes 0.00005; gnomAD 0.00015 and 0.00016; TOPMed 0.00021.
gnomAD v4.1: 46 of 1,614,020 alleles (0.0029%); highest among the groups gnomAD compares: African/African-American, 0.049%; no homozygotes.

Submissions (3):

CeGaT Center for Human Genetics Tuebingen
Classification: Likely benign. Last evaluated: 2026-06-01. Review status: criteria provided, single submitter. Criteria: CeGaT Center For Human Genetics Tuebingen Variant Classification Criteria Version 2. Collection method: clinical testing. Allele origin: germline. Affected: yes. Observed: 1 variant allele.
Comment: ARID1A: BP4, BP7

Labcorp Genetics (formerly Invitae), Labcorp
Classification: Likely benign. Last evaluated: 2025-08-22. Review status: criteria provided, single submitter. Criteria: Invitae Variant Classification Sherloc (09022015). Collection method: clinical testing. Allele origin: germline.

GeneDx
Classification: Likely benign. Last evaluated: 2020-12-22. Review status: criteria provided, single submitter. Criteria: GeneDx Variant Classification Process June 2021. Collection method: clinical testing. Allele origin: germline. Affected: yes.